The following is an entry in ClinVar:

NM_018669.6(WDR4):c.891C>T (p.Phe297=)

Gene: WDR4 (WDR4 tRNA N7-guanosine methyltransferase non-catalytic subunit; minus strand). Cytogenetic location: 21q22.3.
Variant type: single nucleotide variant.
Coding change: c.891C>T on transcript NM_018669.6 (MANE Select); coding-DNA position 891, C replaced by T.
Protein change: p.Phe297=; no amino-acid change (phenylalanine 297 retained).
Molecular consequence: synonymous variant. On other transcripts: non-coding transcript variant (1).
Genome position (GRCh38, 1-based): chr21:42,853,653, G>A on the plus strand (C>T on the coding strand, the complement: WDR4 is on the minus strand). VCF-style: chr21-42853653-G-A. GRCh37 (hg19) VCF-style: chr21-44273763-G-A.
Other names: c.888C>T, p.Phe296= (NM_001260474.2); c.453C>T, p.Phe151= (NM_001260475.2, NM_001260476.2, NM_001260477.2); c.891C>T, p.Phe297= (NM_033661.5).
Identifiers: ClinVar variation 1247972 (VCV001247972.13), dbSNP rs61729406, ClinGen allele CA10045893.

ClinVar aggregate classification (germline): Benign. Review status: criteria provided, multiple submitters, no conflicts (2 of 4 stars). 4 submissions from 4 submitters: Benign (3). 1 of the submissions does not count toward it. Last evaluated 2026-02-01.

Conditions:
WDR4-related disorder. Also called: WDR4-Related Disorders; WDR4-related condition.

Allele frequency attached by ClinVar (database versions not stated): gnomAD exomes 0.00982; ExAC 0.01893; 1000 Genomes Project 0.03914; ESP Exome Variant Server 0.04129; 1000 Genomes Project 30x 0.04341.
gnomAD v4.1: 12,105 of 1,601,238 alleles (0.76%); highest among the groups gnomAD compares: African/African-American, 13%; 654 homozygotes.

Submissions (4):

Labcorp Genetics (formerly Invitae), Labcorp
Classification: Benign. Last evaluated: 2026-02-01. Review status: criteria provided, single submitter. Criteria: Invitae Variant Classification Sherloc (09022015). Collection method: clinical testing. Allele origin: germline.

GeneDx
Classification: Benign. Last evaluated: 2021-05-05. Review status: criteria provided, single submitter. Criteria: GeneDx Variant Classification Process June 2021. Collection method: clinical testing. Allele origin: germline. Affected: yes.

Breakthrough Genomics
Classification: Benign. Review status: criteria provided, single submitter. Criteria: ACMG Guidelines, 2015. Collection method: not provided. Allele origin: germline. Inheritance: Autosomal recessive inheritance. Affected: yes.

PreventionGenetics, part of Exact Sciences
Classification: Benign for WDR4-related condition. Last evaluated: 2019-03-18. Review status: no assertion criteria provided. Collection method: clinical testing. Allele origin: germline. Not counted in ClinVar's aggregate classification.
Comment: This variant is classified as benign based on ACMG/AMP sequence variant interpretation guidelines (Richards et al. 2015 PMID: 25741868, with internal and published modifications).